The following is an entry in ClinVar:

ClinVar aggregate classification (germline): Benign/Likely benign. Review status: criteria provided, multiple submitters, no conflicts (2 of 4 stars). 6 submissions from 6 submitters: Benign (2); Likely benign (4). Last evaluated 2025-12-03.

Conditions:
Hereditary cancer-predisposing syndrome. Also called: Hereditary neoplastic syndrome; Neoplastic Syndromes, Hereditary; Tumor predisposition; Hereditary Cancer Syndrome. Identifiers: Orphanet 140162, MedGen C0027672, MeSH D009386, MONDO:0015356.
Tuberous sclerosis syndrome (TSC). Also called: Tuberous Sclerosis Complex; Tuberous sclerosis. Identifiers: Orphanet 805, MedGen C0041341, MONDO:0001734.
Tuberous sclerosis 2 (TSC2). Identifiers: Orphanet 805, MedGen C1860707, MONDO:0013199, OMIM 613254.

Allele frequency attached by ClinVar (database versions not stated): gnomAD exomes below 0.00001; TOPMed below 0.00001; gnomAD 0.00001.
gnomAD v4.1: 2 of 1,612,788 alleles (0.00012%); highest among the groups gnomAD compares: East Asian, 0.0022%; no homozygotes.

Submissions (6):

Labcorp Genetics (formerly Invitae), Labcorp
Classification: Likely benign for Tuberous sclerosis 2. Last evaluated: 2025-12-03. Review status: criteria provided, single submitter. Criteria: Invitae Variant Classification Sherloc (09022015). Collection method: clinical testing. Allele origin: germline.

Color Diagnostics, LLC DBA Color Health
Classification: Likely benign for Tuberous sclerosis syndrome. Last evaluated: 2025-11-17. Review status: criteria provided, single submitter. Criteria: ACMG Guidelines, 2015. Collection method: clinical testing. Allele origin: germline.

Myriad Genetics, Inc.
Classification: Benign for Tuberous sclerosis 2. Last evaluated: 2025-05-30. Review status: criteria provided, single submitter. Criteria: Myriad Autosomal Dominant, Autosomal Recessive and X-Linked Classification Criteria (2023). Collection method: clinical testing. Allele origin: unknown.
Comment: This variant is considered benign. This variant is a silent/synonymous amino acid change and it is not expected to impact splicing.

Ambry Genetics
Classification: Likely benign for Hereditary cancer-predisposing syndrome. Last evaluated: 2022-11-03. Review status: criteria provided, single submitter. Criteria: Ambry Variant Classification Scheme 2023. Collection method: clinical testing. Allele origin: germline.

Genome-Nilou Lab
Classification: Benign for Tuberous sclerosis 2. Last evaluated: 2021-11-07. Review status: criteria provided, single submitter. Criteria: ACMG Guidelines, 2015. Collection method: clinical testing. Allele origin: germline. Affected: no.

GeneDx
Classification: Likely benign. Last evaluated: 2018-01-18. Review status: criteria provided, single submitter. Criteria: GeneDx Variant Classification (06012015). Collection method: clinical testing. Allele origin: germline. Affected: yes.
Comment: This variant is considered likely benign or benign based on one or more of the following criteria: it is a conservative change, it occurs at a poorly conserved position in the protein, it is predicted to be benign by multiple in silico algorithms, and/or has population frequency not consistent with disease.

NM_000548.5(TSC2):c.3634C>T (p.Leu1212=)

Gene: TSC2 (TSC complex subunit 2; plus strand). Cytogenetic location: 16p13.3.
Variant type: single nucleotide variant.
Coding change: c.3634C>T on transcript NM_000548.5 (MANE Select); coding-DNA position 3634, C replaced by T.
Protein change: p.Leu1212=; no amino-acid change (leucine 1212 retained).
Molecular consequence: synonymous variant.
Genome position (GRCh38, 1-based): chr16:2,081,618, C>T. VCF-style: chr16-2081618-C-T. GRCh37 (hg19) VCF-style: chr16-2131619-C-T.
Other names: c.3502C>T, p.Leu1168= (NM_001077183.3, NM_001370404.1); c.3634C>T, p.Leu1212= (NM_001114382.3); c.3394C>T, p.Leu1132= (NM_001318827.2); c.3358C>T, p.Leu1120= (NM_001318829.2); c.2902C>T, p.Leu968= (NM_001318831.2); c.3535C>T, p.Leu1179= (NM_001318832.2); c.3505C>T, p.Leu1169= (NM_001363528.2, NM_001370405.1, NM_021055.3).
Identifiers: ClinVar variation 468030 (VCV000468030.14), dbSNP rs1358537146, ClinGen allele CA493042989.
Genomic context (GRCh38, chr16:2,081,618, plus strand): 5'-TACTGGCCTCAGGCCAAAGGTGCTGCCGCCTCCGCAGGGAACACCAGCTGGCTGATGAGC[C>T]TGGAGAACCCGCTCAGCCCTTTCTCCTCGGACATCAACAACATGCCCCTGCAGGAGCTGT-3'
Protein context (NP_000539.2, residues 1202-1222): PTGNTSWLMS[Leu1212=]ENPLSPFSSD